The following is an entry in ClinVar:

ClinVar aggregate classification (germline): Conflicting classifications of pathogenicity. Review status: criteria provided, conflicting classifications (1 of 4 stars). 4 submissions from 1 submitter: Uncertain significance (3); Benign (1). Last evaluated 2018-01-12.

Conditions:
Jervell and Lange-Nielsen syndrome 1 (JLNS1). Also called: CARDIOAUDITORY SYNDROME OF JERVELL AND LANGE-NIELSEN; DEAFNESS, CONGENITAL, AND FUNCTIONAL HEART DISEASE; PROLONGED QT INTERVAL IN EKG AND SUDDEN DEATH; SURDO-CARDIAC SYNDROME. Identifiers: Orphanet 768, Orphanet 90647, MedGen C4551509, MONDO:0024540, OMIM 220400.
Short QT syndrome type 2. Identifiers: Orphanet 51083, MedGen C1865019, MONDO:0012313, OMIM 609621.
Atrial fibrillation, familial, 3 (ATFB3). Identifiers: MedGen C1837014, MONDO:0011857, OMIM 607554.
Long QT syndrome 1 (LQT1). Identifiers: Orphanet 101016, Orphanet 768, MedGen C4551647, MONDO:0100316, OMIM 192500, MONDO:0008646.

Allele frequency attached by ClinVar (database versions not stated): gnomAD 0.00039 and 0.00040; gnomAD exomes 0.00040 and 0.00044; TOPMed 0.00044; ExAC 0.00068.
gnomAD v4.1: 199 of 493,786 alleles (0.04%); highest among the groups gnomAD compares: Non-Finnish European, 0.053%; no homozygotes.

Submissions (4):

Illumina Laboratory Services, Illumina
Classification: Uncertain significance for Long QT syndrome 1. Last evaluated: 2018-01-12. Review status: criteria provided, single submitter. Criteria: ICSL Variant Classification Criteria 13 December 2019. Collection method: clinical testing. Allele origin: germline.

Illumina Laboratory Services, Illumina
Classification: Uncertain significance for Jervell and Lange-Nielsen syndrome 1. Last evaluated: 2018-01-12. Review status: criteria provided, single submitter. Criteria: ICSL Variant Classification Criteria 13 December 2019. Collection method: clinical testing. Allele origin: germline.

Illumina Laboratory Services, Illumina
Classification: Benign for Short QT syndrome type 2. Last evaluated: 2018-01-12. Review status: criteria provided, single submitter. Criteria: ICSL Variant Classification Criteria 13 December 2019. Collection method: clinical testing. Allele origin: germline.
Comment: This variant was observed in the ICSL laboratory as part of a predisposition screen in an ostensibly healthy population. It had not been previously curated by ICSL or reported in the Human Gene Mutation Database (HGMD: prior to June 1st, 2018), and was therefore a candidate for classification through an automated scoring system. Utilizing variant allele frequency, disease prevalence and penetrance estimates, and inheritance mode, an automated score was calculated to assess if this variant is too frequent to cause the disease. Based on the score and internal cut-off values, a variant classified as benign is not then subjected to further curation. The score for this variant resulted in a classification of benign for this disease.

Illumina Laboratory Services, Illumina
Classification: Uncertain significance for Atrial fibrillation, familial, 3. Last evaluated: 2018-01-12. Review status: criteria provided, single submitter. Criteria: ICSL Variant Classification Criteria 13 December 2019. Collection method: clinical testing. Allele origin: germline.

NM_000218.3(KCNQ1):c.*391G>A

Genes: KCNQ1 (potassium voltage-gated channel subfamily Q member 1; plus strand), KCNQ1-AS1 (KCNQ1 antisense RNA 1; minus strand). Cytogenetic location: 11p15.4.
Variant type: single nucleotide variant.
Coding change: c.*391G>A on transcript NM_000218.3 (MANE Select); 391 bases downstream of the stop codon, G replaced by A.
Molecular consequence: 3 prime UTR variant.
Genome position (GRCh38, 1-based): chr11:2,848,394, G>A. VCF-style: chr11-2848394-G-A. GRCh37 (hg19) VCF-style: chr11-2869624-G-A.
Other names: c.*391G>A (NM_001406836.1, NM_001406837.1, NM_001406838.1 and 2 more transcripts).
Identifiers: ClinVar variation 304244 (VCV000304244.8), dbSNP rs774059974, ClinGen allele CA036954.